The following is an entry in ClinVar:

ClinVar aggregate classification (germline): Uncertain significance (1 of 4 stars; one submission).

gnomAD v4.1: 5 of 1,171,780 alleles (0.00043%); highest among the groups gnomAD compares: Non-Finnish European, 0.00058%; no homozygotes.

Submission:

GeneDx
Classification: Uncertain significance. Last evaluated: 2026-04-15. Review status: criteria provided, single submitter. Criteria: GeneDx Variant Classification Process June 2021. Collection method: clinical testing. Allele origin: germline.
Comment: Not observed at significant frequency in large population cohorts (gnomAD); In silico analysis supports that this missense variant has a deleterious effect on protein structure/function; Has not been previously published as pathogenic or benign to our knowledge

NM_001291415.2(KDM6A):c.1504A>C (p.Ser502Arg)

Gene: KDM6A (lysine demethylase 6A; plus strand). Cytogenetic location: Xp11.3.
Variant type: single nucleotide variant.
Coding change: c.1504A>C on transcript NM_001291415.2 (MANE Select); coding-DNA position 1504, A replaced by C.
Protein change: p.Ser502Arg; replaces serine 502 with arginine.
Molecular consequence: missense variant. On other transcripts: non-coding transcript variant (1).
Genome position (GRCh38, 1-based): chrX:45,061,342, A>C. VCF-style: chrX-45061342-A-C. GRCh37 (hg19) VCF-style: chrX-44920587-A-C.
Other names: c.1348A>C, p.Ser450Arg (NM_001410742.1, NM_001419812.1, NM_001419814.1 and 1 more transcripts); c.1504A>C, p.Ser502Arg (NM_001419809.1, NM_001419810.1, NM_001419813.1); c.1369A>C, p.Ser457Arg (NM_001419811.1, NM_001291416.2); c.1213A>C, p.Ser405Arg (NM_001419815.1, NM_001291417.2, NM_001291418.2); c.460A>C, p.Ser154Arg (NM_001291421.2); short protein forms S154R, S405R, S450R, S457R, S502R.
Identifiers: ClinVar variation 5037276 (VCV005037276.1).